The following is an entry in ClinVar:

NM_198904.4(GABRG2):c.190G>T (p.Gly64Cys)

Gene: GABRG2 (gamma-aminobutyric acid type A receptor subunit gamma2; plus strand). Cytogenetic location: 5q34.
Variant type: single nucleotide variant.
Coding change: c.190G>T on transcript NM_198904.4 (MANE Select); coding-DNA position 190, G replaced by T.
Protein change: p.Gly64Cys; replaces glycine 64 with cysteine.
Molecular consequence: missense variant. On other transcripts: 5 prime UTR variant (3).
Genome position (GRCh38, 1-based): chr5:162,093,910, G>T. VCF-style: chr5-162093910-G-T. GRCh37 (hg19) VCF-style: chr5-161520916-G-T.
Other names: c.190G>T, p.Gly64Cys (NM_000816.3, NM_001375340.1, NM_001375341.1 and 4 more transcripts); c.181G>T, p.Gly61Cys (NM_001375339.1); c.124G>T, p.Gly42Cys (NM_001375345.1, NM_001375346.1); c.103G>T, p.Gly35Cys (NM_001375347.1); c.-169G>T (NM_001375348.1, NM_001375350.1); c.-96G>T (NM_001375349.1); short protein forms G35C, G42C, G61C, G64C.
Identifiers: ClinVar variation 3364698 (VCV003364698.1).
Genomic context (GRCh38, chr5:162,093,910, plus strand): 5'-GATGACTATGAAGATTATGCTTCTAACAAAACATGGGTCTTGACTCCAAAAGTTCCTGAG[G>T]GTGATGTCACTGTCATCTTAAACAACCTGCTGGAAGGATATGACAATAAACTTCGGCCTG-3'
Protein context (NP_944494.1, residues 54-74): TWVLTPKVPE[Gly64Cys]DVTVILNNLL

ClinVar aggregate classification (germline): Uncertain significance (1 of 4 stars; one submission).

gnomAD v4.1: 14 of 1,613,216 alleles (0.00087%); highest among the groups gnomAD compares: Non-Finnish European, 0.0011%; no homozygotes.

Submission:

GeneDx
Classification: Uncertain significance. Last evaluated: 2023-11-19. Review status: criteria provided, single submitter. Criteria: GeneDx Variant Classification Process June 2021. Collection method: clinical testing. Allele origin: germline. Affected: yes.
Comment: Not observed at significant frequency in large population cohorts (gnomAD); In silico analysis supports that this missense variant has a deleterious effect on protein structure/function; Has not been previously published as pathogenic or benign to our knowledge